The following is an entry in ClinVar:

ClinVar aggregate classification (germline): Likely benign (1 of 4 stars; one submission).

Conditions:
ATP8B1-related disorder. Also called: ATP8B1-related disorders; ATP8B1-related condition.

gnomAD v4.1: 10 of 1,614,058 alleles (0.00062%); highest among the groups gnomAD compares: Admixed American, 0.0033%; no homozygotes.

Submission:

PreventionGenetics, part of Exact Sciences
Classification: Likely benign for ATP8B1-related condition. Last evaluated: 2026-06-30. Review status: criteria provided, single submitter. Criteria: ACMG Guidelines, 2015. Collection method: clinical testing. Allele origin: germline.
Comment: This variant is classified as likely benign based on ACMG/AMP sequence variant interpretation guidelines (Richards et al. 2015 PMID: 25741868, with internal and published modifications).

NM_001374385.1(ATP8B1):c.3153T>G (p.Pro1051=)

Genes: ATP8B1 (ATPase phospholipid transporting 8B1; minus strand), ATP8B1-AS1 (ATP8B1 antisense RNA 1; plus strand). Cytogenetic location: 18q21.31.
Variant type: single nucleotide variant.
Coding change: c.3153T>G on transcript NM_001374385.1 (MANE Select); coding-DNA position 3153, T replaced by G.
Protein change: p.Pro1051=; no amino-acid change (proline 1051 retained).
Molecular consequence: synonymous variant.
Genome position (GRCh38, 1-based): chr18:57,652,592, A>C on the plus strand (T>G on the coding strand, the complement: ATP8B1 is on the minus strand). VCF-style: chr18-57652592-A-C. GRCh37 (hg19) VCF-style: chr18-55319824-A-C.
Other names: c.3003T>G, p.Pro1001= (NM_001374386.1); c.3153T>G, p.Pro1051= (NM_005603.6).
Identifiers: ClinVar variation 4993527 (VCV004993527.1).